The following is an entry in ClinVar:

NM_012401.4(PLXNB2):c.3193_3194insT (p.Glu1065fs)

Gene: PLXNB2 (plexin B2; minus strand). Cytogenetic location: 22q13.33.
Variant type: Insertion.
Coding change: c.3193_3194insT on transcript NM_012401.4 (MANE Select); coding-DNA positions 3193 to 3194, T inserted.
Protein change: p.Glu1065fs; shifts the reading frame from glutamic acid 1065.
Molecular consequence: frameshift variant.
Genome position: GRCh38 VCF-style: chr22-50282005-T-TA. GRCh37 (hg19) VCF-style: chr22-50720434-T-TA.
Other names: c.3193_3194insT, p.Glu1065fs (NM_001376866.1, NM_001376867.1, NM_001376868.1 and 17 more transcripts); c.3100_3101insT, p.Glu1034fs (NM_001376886.1); c.3430_3431insT, p.Glu1144fs (NM_001376864.1); c.3262_3263insT, p.Glu1088fs (NM_001376865.1); short protein forms E1034fs, E1065fs, E1088fs, E1144fs.
Identifiers: ClinVar variation 4278622 (VCV004278622.1).

ClinVar aggregate classification (germline): Uncertain significance (1 of 4 stars; one submission).

Submission:

GeneDx
Classification: Uncertain significance. Last evaluated: 2024-04-12. Review status: criteria provided, single submitter. Criteria: GeneDx Variant Classification Process June 2021. Collection method: clinical testing. Allele origin: germline. Affected: yes.
Comment: Frameshift variant predicted to result in protein truncation or nonsense mediated decay in a gene for which loss-of-function is not an established mechanism of disease; Not observed at significant frequency in large population cohorts (gnomAD); Has not been previously published as pathogenic or benign to our knowledge; Variants in candidate genes are classified as variants of uncertain significance in accordance with ACMG guidelines (PMID: 25741868)